The following is an entry in ClinVar:

NM_178170.3(NEK8):c.1465G>A (p.Val489Met)

Gene: NEK8 (NIMA related kinase 8; plus strand). Cytogenetic location: 17q11.2.
Variant type: single nucleotide variant.
Coding change: c.1465G>A on transcript NM_178170.3 (MANE Select); coding-DNA position 1465, G replaced by A.
Protein change: p.Val489Met; replaces valine 489 with methionine.
Molecular consequence: missense variant.
Genome position (GRCh38, 1-based): chr17:28,740,510, G>A. VCF-style: chr17-28740510-G-A. GRCh37 (hg19) VCF-style: chr17-27067528-G-A.
Other names: short protein forms V489M.
Identifiers: ClinVar variation 3382917 (VCV003382917.2).

ClinVar aggregate classification (germline): Uncertain significance (1 of 4 stars; one submission).

Conditions:
Renal-hepatic-pancreatic dysplasia 2 (RHPD2). Identifiers: MedGen C3809434, MONDO:0014174, OMIM 615415.
Nephronophthisis 9 (NPHP9). Identifiers: Orphanet 655, MedGen C3151188, MONDO:0013444, OMIM 613824.

Submission:

Juno Genomics, Hangzhou Juno Genomics, Inc
Classification: Uncertain significance for Nephronophthisis 9; Renal-hepatic-pancreatic dysplasia 2. Review status: criteria provided, single submitter. Criteria: ACMG Guidelines, 2015. Collection method: clinical testing. Allele origin: germline. Affected: yes.
Comment: Absent from controls (or at extremely low frequency if recessive) in Genome Aggregation Database, Exome Sequencing Project, 1000 Genomes Project, or Exome Aggregation Consortium.;Multiple lines of computational evidence support a deleterious effect on the gene or gene product (conservation, evolutionary, splicing impact, etc).;Patient's phenotype or family history is highly specific for a disease with a single genetic etiology.;Co-segregation with disease in multiple affected family members in a gene definitively known to cause the disease.;For recessive disorders, detected in trans with a pathogenic variant.